The following is an entry in ClinVar:

ClinVar aggregate classification (germline): Uncertain significance (1 of 4 stars; one submission).

Submission:

GeneDx
Classification: Uncertain significance. Last evaluated: 2022-10-18. Review status: criteria provided, single submitter. Criteria: GeneDx Variant Classification Process June 2021. Collection method: clinical testing. Allele origin: germline. Affected: yes.
Comment: Not observed at significant frequency in large population cohorts (gnomAD); In silico analysis supports a deleterious effect on protein structure/function; Has not been previously published as pathogenic or benign to our knowledge

NM_016239.4(MYO15A):c.5404_5405delinsGT (p.Lys1802Val)

Gene: MYO15A (myosin XVA; plus strand). Cytogenetic location: 17p11.2.
Variant type: Indel.
Coding change: c.5404_5405delinsGT on transcript NM_016239.4 (MANE Select); coding-DNA positions 5404 to 5405, AA replaced by GT.
Protein change: p.Lys1802Val; replaces lysine 1802 with valine.
Molecular consequence: missense variant.
Genome position (GRCh38, 1-based): chr17:18,140,830-18,140,831, AA replaced by GT. VCF-style: chr17-18140830-AA-GT. GRCh37 (hg19) VCF-style: chr17-18044144-AA-GT.
Other names: short protein forms K1802V.
Identifiers: ClinVar variation 2499709 (VCV002499709.1), dbSNP rs2545254166, ClinGen allele CA2580092642.